The following is an entry in ClinVar:

ClinVar aggregate classification (germline): Conflicting classifications of pathogenicity. Review status: criteria provided, conflicting classifications (1 of 4 stars). 4 submissions from 4 submitters: Uncertain significance (1); Likely benign (3). Last evaluated 2025-07-25.

Conditions:
ADGRV1-related disorder. Also called: ADGRV1-related condition; ADGRV1-related disorders.
Usher syndrome type 2C. Also called: Usher syndrome, type 2B; USHER SYNDROME, TYPE IIC. Identifiers: Orphanet 231178, Orphanet 886, MedGen C2931213, MONDO:0011558, OMIM 605472.

Allele frequency attached by ClinVar (database versions not stated): gnomAD exomes 0.00003 and 0.00008; TOPMed 0.00005; gnomAD 0.00006 and 0.00007; ESP Exome Variant Server 0.00008; ExAC 0.00011; 1000 Genomes Project 30x 0.00031; 1000 Genomes Project 0.00040.
gnomAD v4.1: 54 of 1,613,778 alleles (0.0033%); highest among the groups gnomAD compares: South Asian, 0.047%; 1 homozygote.

Submissions (4):

PreventionGenetics, part of Exact Sciences
Classification: Likely benign for ADGRV1-related condition. Last evaluated: 2025-07-25. Review status: criteria provided, single submitter. Criteria: ACMG Guidelines, 2015. Collection method: clinical testing. Allele origin: germline.
Comment: This variant is classified as likely benign based on ACMG/AMP sequence variant interpretation guidelines (Richards et al. 2015 PMID: 25741868, with internal and published modifications).

Labcorp Genetics (formerly Invitae), Labcorp
Classification: Likely benign. Last evaluated: 2025-07-08. Review status: criteria provided, single submitter. Criteria: Invitae Variant Classification Sherloc (09022015). Collection method: clinical testing. Allele origin: germline.

Blueprint Genetics
Classification: Likely benign. Last evaluated: 2024-10-16. Review status: criteria provided, single submitter. Criteria: ACMG Guidelines, 2015. Collection method: clinical testing. Allele origin: germline.

Illumina Laboratory Services, Illumina
Classification: Uncertain significance for Usher syndrome type 2C. Last evaluated: 2018-01-13. Review status: criteria provided, single submitter. Criteria: ICSL Variant Classification Criteria 13 December 2019. Collection method: clinical testing. Allele origin: germline.

NM_032119.4(ADGRV1):c.6849C>T (p.Gly2283=)

Gene: ADGRV1 (adhesion G protein-coupled receptor V1; plus strand). Cytogenetic location: 5q14.3.
Variant type: single nucleotide variant.
Coding change: c.6849C>T on transcript NM_032119.4 (MANE Select); coding-DNA position 6849, C replaced by T.
Protein change: p.Gly2283=; no amino-acid change (glycine 2283 retained).
Molecular consequence: synonymous variant. On other transcripts: non-coding transcript variant (1).
Genome position (GRCh38, 1-based): chr5:90,690,939, C>T. VCF-style: chr5-90690939-C-T. GRCh37 (hg19) VCF-style: chr5-89986756-C-T.
Identifiers: ClinVar variation 866073 (VCV000866073.11), dbSNP rs374348614, ClinGen allele CA3339887.